The following is an entry in ClinVar:

NM_000308.4(CTSA):c.1035C>A (p.Tyr345Ter)

Gene: CTSA (cathepsin A; plus strand). Cytogenetic location: 20q13.12.
Variant type: single nucleotide variant.
Coding change: c.1035C>A on transcript NM_000308.4 (MANE Select); coding-DNA position 1035, C replaced by A.
Protein change: p.Tyr345Ter; replaces tyrosine 345 with a stop codon.
Molecular consequence: nonsense. On other transcripts: non-coding transcript variant (1).
Genome position (GRCh38, 1-based): chr20:45,895,080, C>A. VCF-style: chr20-45895080-C-A. GRCh37 (hg19) VCF-style: chr20-44523719-C-A.
Other names: c.1035C>A, p.Tyr345Ter (NM_001127695.3); c.984C>A, p.Tyr328Ter (NM_001167594.3); short protein forms Y345*, Y328*.
Identifiers: ClinVar variation 3013332 (VCV003013332.3), dbSNP rs200636455, ClinGen allele CA409252781.

ClinVar aggregate classification (germline): Pathogenic (1 of 4 stars; one submission).

Conditions:
Combined deficiency of sialidase AND beta galactosidase (GSL). Also called: CATHEPSIN A DEFICIENCY; GOLDBERG SYNDROME; NEURAMINIDASE DEFICIENCY WITH BETA-GALACTOSIDASE DEFICIENCY; NEURAMINIDASE/BETA-GALACTOSIDASE EXPRESSION; PPCA DEFICIENCY; PROTECTIVE PROTEIN/CATHEPSIN A DEFICIENCY. Identifiers: Orphanet 351, MedGen C0268233, MONDO:0009737, OMIM 256540.

gnomAD v4.1: 1 of 1,614,166 alleles (0.000062%); highest among the groups gnomAD compares: Non-Finnish European, 0.000085%; no homozygotes.

Submission:

Labcorp Genetics (formerly Invitae), Labcorp
Classification: Pathogenic for Combined deficiency of sialidase AND beta galactosidase. Last evaluated: 2023-09-26. Review status: criteria provided, single submitter. Criteria: Invitae Variant Classification Sherloc (09022015). Collection method: clinical testing. Allele origin: germline.
Comment: This sequence change creates a premature translational stop signal (p.Tyr363*) in the CTSA gene. It is expected to result in an absent or disrupted protein product. Loss-of-function variants in CTSA are known to be pathogenic (PMID: 15110321, 23915561). This variant is not present in population databases (gnomAD no frequency). This variant has not been reported in the literature in individuals affected with CTSA-related conditions. Algorithms developed to predict the effect of sequence changes on RNA splicing suggest that this variant may disrupt the consensus splice site. For these reasons, this variant has been classified as Pathogenic.

Literature cited by the submitters: PubMed 15110321; PubMed 23915561.